The following is an entry in ClinVar:

NM_016239.4(MYO15A):c.4828G>A (p.Glu1610Lys)

Gene: MYO15A (myosin XVA; plus strand). Cytogenetic location: 17p11.2.
Variant type: single nucleotide variant.
Coding change: c.4828G>A on transcript NM_016239.4 (MANE Select); coding-DNA position 4828, G replaced by A.
Protein change: p.Glu1610Lys; replaces glutamic acid 1610 with lysine.
Molecular consequence: missense variant.
Genome position (GRCh38, 1-based): chr17:18,137,632, G>A. VCF-style: chr17-18137632-G-A. GRCh37 (hg19) VCF-style: chr17-18040946-G-A.
Other names: p.Glu1610Lys; short protein forms E1610K.
Identifiers: ClinVar variation 2573584 (VCV002573584.6), dbSNP rs766165505, ClinGen allele CA8424048.

ClinVar aggregate classification (germline): Uncertain significance. Review status: criteria provided, multiple submitters, no conflicts (2 of 4 stars). 4 submissions from 4 submitters: Uncertain significance (4). Last evaluated 2024-01-18.

Allele frequency attached by ClinVar (database versions not stated): ExAC 0.00001.

Submissions (4):

Labcorp Genetics (formerly Invitae), Labcorp
Classification: Uncertain significance. Last evaluated: 2024-01-18. Review status: criteria provided, single submitter. Criteria: Invitae Variant Classification Sherloc (09022015). Collection method: clinical testing. Allele origin: germline.
Comment: This sequence change replaces glutamic acid, which is acidic and polar, with lysine, which is basic and polar, at codon 1610 of the MYO15A protein (p.Glu1610Lys). This variant is present in population databases (rs766165505, gnomAD 0.002%). This missense change has been observed in individual(s) with deafness (PMID: 23967202). ClinVar contains an entry for this variant (Variation ID: 2573584). Advanced modeling of protein sequence and biophysical properties (such as structural, functional, and spatial information, amino acid conservation, physicochemical variation, residue mobility, and thermodynamic stability) performed at Invitae indicates that this missense variant is expected to disrupt MYO15A protein function with a positive predictive value of 95%. In summary, the available evidence is currently insufficient to determine the role of this variant in disease. Therefore, it has been classified as a Variant of Uncertain Significance.

Women's Health and Genetics/Laboratory Corporation of America, LabCorp
Classification: Uncertain significance. Last evaluated: 2023-06-19. Review status: criteria provided, single submitter. Criteria: LabCorp Variant Classification Summary - May 2015. Collection method: clinical testing. Allele origin: germline.
Comment: Variant summary: MYO15A c.4828G>A (p.Glu1610Lys) results in a conservative amino acid change located in the Myosin head, motor domain (IPR001609) of the encoded protein sequence. Four of five in-silico tools predict a damaging effect of the variant on protein function. The variant allele was found at a frequency of 1.2e-05 in 249450 control chromosomes. The available data on variant occurrences in the general population are insufficient to allow any conclusion about variant significance. c.4828G>A has been reported in the literature in at least one individual affected with autosomal recessive early-onset hearing loss (e.g., Miyagawa_2013). This report does not provide unequivocal conclusions about association of the variant with Autosomal Recessive Nonsyndromic Hearing Loss 3. To our knowledge, no experimental evidence demonstrating an impact on protein function has been reported. The following publication was ascertained in the context of this evaluation (PMID: 23967202). No submitters have cited clinical-significance assessments for this variant to ClinVar after 2014. Based on the evidence outlined above, the variant was classified as uncertain significance.

Mayo Clinic Laboratories, Mayo Clinic
Classification: Uncertain significance. Last evaluated: 2023-01-13. Review status: criteria provided, single submitter. Criteria: ACMG Guidelines, 2015. Collection method: clinical testing. Allele origin: germline. Observed: 1 variant allele.
Comment: PP3, PM2

Blueprint Genetics
Classification: Uncertain significance. Last evaluated: 2019-03-11. Review status: criteria provided, single submitter. Criteria: ACMG Guidelines, 2015. Collection method: clinical testing. Allele origin: germline.

Literature cited by the submitters: PubMed 23967202 (cited by 3 submitters); PubMed 27375115 (cited by Mayo Clinic Laboratories, Mayo Clinic).